The following is an entry in ClinVar:

ClinVar aggregate classification (germline): Uncertain significance (1 of 4 stars; one submission).

Submission:

Women's Health and Genetics/Laboratory Corporation of America, LabCorp
Classification: Uncertain significance. Last evaluated: 2022-11-18. Review status: criteria provided, single submitter. Criteria: LabCorp Variant Classification Summary - May 2015. Collection method: clinical testing. Allele origin: germline.
Comment: Variant summary: ARFGEF1 c.1338-20_1338-18dupCCT alters a conserved nucleotide located close to a canonical splice site and therefore could affect mRNA splicing, leading to a significantly altered protein sequence. 4/4 computational tools predict no significant impact on normal splicing. However, these predictions have yet to be confirmed by functional studies. The variant was absent in 228802 control chromosomes. The available data on variant occurrences in the general population are insufficient to allow any conclusion about variant significance. To our knowledge, no occurrence of c.1338-20_1338-18dupCCT in individuals affected with Developmental Delay, Impaired Speech, And Behavioral Abnormalities, With Or Without Seizures and no experimental evidence demonstrating its impact on protein function have been reported. No clinical diagnostic laboratories have submitted clinical-significance assessments for this variant to ClinVar after 2014. Based on the evidence outlined above, the variant was classified as uncertain significance.

NM_006421.5(ARFGEF1):c.1338-20_1338-18dup

Gene: ARFGEF1 (ARF guanine nucleotide exchange factor 1; minus strand). Cytogenetic location: 8q13.2.
Variant type: Duplication.
Coding change: c.1338-20_1338-18dup on transcript NM_006421.5 (MANE Select); 20 bases into the intron before coding-DNA position 1338 through 18 bases into the intron before coding-DNA position 1338, 3 bases duplicated (CCT; older notation c.1338-20_1338-18dupCCT).
Molecular consequence: intron variant.
Genome position (GRCh38, 1-based): chr8:67,271,954-67,271,956, AGG duplicated on the plus strand (CCT on the coding strand, the reverse complement: ARFGEF1 is on the minus strand). VCF-style (leftmost placement, unchanged base first): chr8-67271953-A-AAGG. GRCh37 (hg19) VCF-style: chr8-68184188-A-AAGG.
Identifiers: ClinVar variation 1804779 (VCV001804779.1), dbSNP rs2491689969, ClinGen allele CA2580078912.